The following is an entry in ClinVar:

ClinVar aggregate classification (germline): Pathogenic (1 of 4 stars; one submission).

Submission:

Labcorp Genetics (formerly Invitae), Labcorp
Classification: Pathogenic. Last evaluated: 2024-12-23. Review status: criteria provided, single submitter. Criteria: Invitae Variant Classification Sherloc (09022015). Collection method: clinical testing. Allele origin: germline.
Comment: This sequence change creates a premature translational stop signal (p.Ser435Lysfs*4) in the SLC20A2 gene. It is expected to result in an absent or disrupted protein product. Loss-of-function variants in SLC20A2 are known to be pathogenic (PMID: 23334463). This variant is not present in population databases (gnomAD no frequency). This variant has not been reported in the literature in individuals affected with SLC20A2-related conditions. For these reasons, this variant has been classified as Pathogenic.

Literature cited by the submitters: PubMed 23334463.

NM_001257180.2(SLC20A2):c.1303dup (p.Ser435fs)

Gene: SLC20A2 (solute carrier family 20 member 2; minus strand). Cytogenetic location: 8p11.21.
Variant type: Duplication.
Coding change: c.1303dup on transcript NM_001257180.2 (MANE Select); coding-DNA position 1303, one base duplicated (A; older notation c.1303dupA).
Protein change: p.Ser435fs; shifts the reading frame from serine 435.
Molecular consequence: frameshift variant.
Genome position (GRCh38, 1-based): chr8:42,437,209, T duplicated on the plus strand (A on the coding strand, the reverse complement: SLC20A2 is on the minus strand). VCF-style (leftmost placement, unchanged base first): chr8-42437208-C-CT. GRCh37 (hg19) VCF-style: chr8-42294726-C-CT.
Other names: c.1303dup, p.Ser435fs (NM_001257181.2, NM_006749.5); short protein forms S435fs.
Identifiers: ClinVar variation 3721728 (VCV003721728.2).